The following is an entry in ClinVar:

ClinVar aggregate classification (germline): Likely pathogenic (1 of 4 stars; one submission).

Conditions:
Developmental and epileptic encephalopathy, 43 (DEE43). Also called: Epileptic encephalopathy, early infantile, 43. Identifiers: MedGen C4310712, MONDO:0014921, OMIM 617113.

Submission:

3billion
Classification: Likely pathogenic for Developmental and epileptic encephalopathy, 43. Last evaluated: 2024-10-10. Review status: criteria provided, single submitter. Criteria: ACMG Guidelines, 2015. Collection method: clinical testing. Allele origin: germline. Affected: yes.
Comment: The variant is not observed in the gnomAD v4.1.0 dataset. Predicted Consequence/Location: The variant is located in a mutational hot spot and/or well-established functional domain in which established pathogenic variants have been reported (PMID: 34906499). Missense variant. Missense changes are a common disease-causing mechanism. In silico tool predictions suggest damaging effect of the variant on gene or gene product [REVEL: 0.96 (>=0.6, sensitivity 0.68 and specificity 0.92); 3Cnet: 0.99 (>=0.6, sensitivity 0.72 and precision 0.9)]. Therefore, this variant is classified as Likely pathogenic according to the recommendation of ACMG/AMP guideline.

NM_000814.6(GABRB3):c.919G>T (p.Asp307Tyr)

Gene: GABRB3 (gamma-aminobutyric acid type A receptor subunit beta3; minus strand). Cytogenetic location: 15q12.
Variant type: single nucleotide variant.
Coding change: c.919G>T on transcript NM_000814.6 (MANE Select); coding-DNA position 919, G replaced by T.
Protein change: p.Asp307Tyr; replaces aspartic acid 307 with tyrosine.
Molecular consequence: missense variant.
Genome position (GRCh38, 1-based): chr15:26,561,093, C>A on the plus strand (G>T on the coding strand, the complement: GABRB3 is on the minus strand). VCF-style: chr15-26561093-C-A. GRCh37 (hg19) VCF-style: chr15-26806240-C-A.
Other names: c.664G>T, p.Asp222Tyr (NM_001191320.2, NM_001278631.2); c.706G>T, p.Asp236Tyr (NM_001191321.3); c.919G>T, p.Asp307Tyr (NM_021912.5); short protein forms D222Y, D236Y, D307Y.
Identifiers: ClinVar variation 4292724 (VCV004292724.1).